The following is an entry in ClinVar:

NM_001005361.3(DNM2):c.1893+248T>C

Gene: DNM2 (dynamin 2; plus strand). Cytogenetic location: 19p13.2.
Variant type: single nucleotide variant.
Coding change: c.1893+248T>C on transcript NM_001005361.3 (MANE Select); 248 bases into the intron after coding-DNA position 1893, T replaced by C.
Molecular consequence: intron variant.
Genome position (GRCh38, 1-based): chr19:10,824,147, T>C. VCF-style: chr19-10824147-T-C. GRCh37 (hg19) VCF-style: chr19-10934823-T-C.
Other names: c.1893+248T>C (NM_001005360.3, NM_001190716.2); c.1881+248T>C (NM_004945.4, NM_001005362.3).
Identifiers: ClinVar variation 679315 (VCV000679315.2), dbSNP rs67417605, ClinGen allele CA14654703.

ClinVar aggregate classification (germline): Benign. Review status: criteria provided, multiple submitters, no conflicts (2 of 4 stars). 2 submissions from 2 submitters: Benign (2). Last evaluated 2018-06-14.

Allele frequency attached by ClinVar (database versions not stated): gnomAD 0.29061 and 0.29469; TOPMed 0.29312; gnomAD exomes 0.31043; 1000 Genomes Project 30x 0.32776; 1000 Genomes Project 0.33466.
gnomAD v4.1: 161,085 of 527,312 alleles (31%); highest among the groups gnomAD compares: East Asian, 57%; 25,938 homozygotes.

Submissions (2):

GeneDx
Classification: Benign. Last evaluated: 2018-06-14. Review status: criteria provided, single submitter. Criteria: GeneDx Variant Classification (06012015). Collection method: clinical testing. Allele origin: germline. Affected: yes.
Comment: This variant is considered likely benign or benign based on one or more of the following criteria: it is a conservative change, it occurs at a poorly conserved position in the protein, it is predicted to be benign by multiple in silico algorithms, and/or has population frequency not consistent with disease.

Breakthrough Genomics
Classification: Benign. Review status: criteria provided, single submitter. Criteria: ACMG Guidelines, 2015. Collection method: not provided. Allele origin: germline. Inheritance: Autosomal recessive inheritance. Affected: yes.